The following is an entry in ClinVar:

NM_002109.6(HARS1):c.527T>A (p.Phe176Tyr)

Gene: HARS1 (histidyl-tRNA synthetase 1; minus strand). Cytogenetic location: 5q31.3.
Variant type: single nucleotide variant.
Coding change: c.527T>A on transcript NM_002109.6 (MANE Select); coding-DNA position 527, T replaced by A.
Protein change: p.Phe176Tyr; replaces phenylalanine 176 with tyrosine.
Molecular consequence: missense variant.
Genome position (GRCh38, 1-based): chr5:140,678,011, A>T on the plus strand (T>A on the coding strand, the complement: HARS1 is on the minus strand). VCF-style: chr5-140678011-A-T. GRCh37 (hg19) VCF-style: chr5-140057596-A-T.
Other names: c.185T>A, p.Phe62Tyr (NM_001289093.2); c.440T>A, p.Phe147Tyr (NM_001289094.2); c.407T>A, p.Phe136Tyr (NM_001258040.3); c.467T>A, p.Phe156Tyr (NM_001258041.3); c.347T>A, p.Phe116Tyr (NM_001258042.3); c.305T>A, p.Phe102Tyr (NM_001289092.2); short protein forms F176Y, F156Y, F62Y, F102Y, F116Y, F136Y, F147Y.
Identifiers: ClinVar variation 540204 (VCV000540204.8), dbSNP rs745780898, ClinGen allele CA361256003.
Genomic context (GRCh38, chr5:140,678,011, plus strand): 5'-CACATGATCTTCAGGCACTCTGCATCAGGGATCATGGGATCAAAGTTCCCAGCAATGTCA[A>T]AATCCTGCAGGGAGAGGGTTAGCCAGCGGTCTTCAGGGATTCACCTTTCTGAAGGGGGGA-3'
Protein context (NP_002100.2, residues 166-186): GRYREFYQCD[Phe176Tyr]DIAGNFDPMI

ClinVar aggregate classification (germline): Uncertain significance (1 of 4 stars; one submission).

Conditions:
Usher syndrome type 3B. Also called: USHER SYNDROME, TYPE IIIB. Identifiers: MedGen C3281066, MONDO:0013788, OMIM 614504.

Allele frequency attached by ClinVar (database versions not stated): gnomAD 0.00003.
gnomAD v4.1: 6 of 1,581,516 alleles (0.00038%); highest among the groups gnomAD compares: Non-Finnish European, 0.00052%; no homozygotes.

Submission:

Labcorp Genetics (formerly Invitae), Labcorp
Classification: Uncertain significance for Usher syndrome type 3B. Last evaluated: 2017-12-02. Review status: criteria provided, single submitter. Criteria: Invitae Variant Classification Sherloc (09022015). Collection method: clinical testing. Allele origin: germline.
Comment: This variant is not present in population databases (ExAC no frequency). In summary, the available evidence is currently insufficient to determine the role of this variant in disease. Therefore, it has been classified as a Variant of Uncertain Significance. Algorithms developed to predict the effect of missense changes on protein structure and function do not agree on the potential impact of this missense change (SIFT: "Deleterious"; PolyPhen-2: "Possibly Damaging"; Align-GVGD: "Class C0"). This variant has not been reported in the literature in individuals with HARS-related disease. This sequence change replaces phenylalanine with tyrosine at codon 176 of the HARS protein (p.Phe176Tyr). The phenylalanine residue is highly conserved and there is a small physicochemical difference between phenylalanine and tyrosine.